The following is an entry in ClinVar:

NM_020937.4(FANCM):c.4661A>G (p.Gln1554Arg)

Gene: FANCM (FA complementation group M; plus strand). Cytogenetic location: 14q21.2.
Variant type: single nucleotide variant.
Coding change: c.4661A>G on transcript NM_020937.4 (MANE Select); coding-DNA position 4661, A replaced by G.
Protein change: p.Gln1554Arg; replaces glutamine 1554 with arginine.
Molecular consequence: missense variant.
Genome position (GRCh38, 1-based): chr14:45,185,362, A>G. VCF-style: chr14-45185362-A-G. GRCh37 (hg19) VCF-style: chr14-45654565-A-G.
Other names: c.4583A>G, p.Gln1528Arg (NM_001308133.2); short protein forms Q1528R, Q1554R.
Identifiers: ClinVar variation 2850031 (VCV002850031.3), dbSNP rs2503229708, ClinGen allele CA389608414.

ClinVar aggregate classification (germline): Uncertain significance (1 of 4 stars; one submission).

Conditions:
Fanconi anemia (FA). Also called: Fanconi's anemia. Identifiers: Orphanet 84, MedGen C0015625, MeSH D005199, MONDO:0019391.

Submission:

Labcorp Genetics (formerly Invitae), Labcorp
Classification: Uncertain significance for Fanconi anemia. Last evaluated: 2023-03-27. Review status: criteria provided, single submitter. Criteria: Invitae Variant Classification Sherloc (09022015). Collection method: clinical testing. Allele origin: germline.
Comment: In summary, the available evidence is currently insufficient to determine the role of this variant in disease. Therefore, it has been classified as a Variant of Uncertain Significance. An algorithm developed to predict the effect of missense changes on protein structure and function (PolyPhen-2) suggests that this variant is likely to be disruptive. This variant has not been reported in the literature in individuals affected with FANCM-related conditions. This variant is not present in population databases (gnomAD no frequency). This sequence change replaces glutamine, which is neutral and polar, with arginine, which is basic and polar, at codon 1554 of the FANCM protein (p.Gln1554Arg).